The following is an entry in ClinVar:

NM_052947.4(ALPK2):c.3651C>G (p.Ile1217Met)

Genes: ALPK2 (alpha kinase 2; minus strand), LOC126862764 (BRD4-independent group 4 enhancer GRCh37_chr18:56202574-56203773; plus strand). Cytogenetic location: 18q21.31.
Variant type: single nucleotide variant.
Coding change: c.3651C>G on transcript NM_052947.4 (MANE Select); coding-DNA position 3651, C replaced by G.
Protein change: p.Ile1217Met; replaces isoleucine 1217 with methionine.
Molecular consequence: missense variant.
Genome position (GRCh38, 1-based): chr18:58,536,536, G>C on the plus strand (C>G on the coding strand, the complement: ALPK2 is on the minus strand). VCF-style: chr18-58536536-G-C. GRCh37 (hg19) VCF-style: chr18-56203768-G-C.
Other names: short protein forms I1217M.
Identifiers: ClinVar variation 2564105 (VCV002564105.2), dbSNP rs2518876172, ClinGen allele CA402566168.
Genomic context (GRCh38, chr18:58,536,536, plus strand): 5'-CTTCAGCTTGTTGCCTGCCTCCCAATTTCCAGGTCTATATTCTTTAGACTCTTCCAAAAG[G>C]ATATCAGAGAGAGATGGAACGTTGCTCAGAGCCTGACTGTCTTCTTCCCCAGCAGTTTCA-3'
Protein context (NP_443179.3, residues 1207-1227): ALSNVPSLSD[Ile1217Met]LLEESKEYRP

ClinVar aggregate classification (germline): Uncertain significance (1 of 4 stars; one submission).

Submission:

Ambry Genetics
Classification: Uncertain significance. Last evaluated: 2023-06-01. Review status: criteria provided, single submitter. Criteria: Ambry Variant Classification Scheme 2023. Collection method: clinical testing. Allele origin: germline.
Comment: The p.I1217M variant (also known as c.3651C>G), located in coding exon 4 of the ALPK2 gene, results from a C to G substitution at nucleotide position 3651. The isoleucine at codon 1217 is replaced by methionine, an amino acid with highly similar properties. This amino acid position is conserved. In addition, this alteration is predicted to be tolerated by in silico analysis. Since supporting evidence is limited at this time, the clinical significance of this alteration remains unclear.